The following is an entry in ClinVar:

NM_002465.4(MYBPC1):c.1946T>C (p.Val649Ala)

Gene: MYBPC1 (myosin binding protein C1; plus strand). Cytogenetic location: 12q23.2.
Variant type: single nucleotide variant.
Coding change: c.1946T>C on transcript NM_002465.4 (MANE Select); coding-DNA position 1946, T replaced by C.
Protein change: p.Val649Ala; replaces valine 649 with alanine.
Molecular consequence: missense variant.
Genome position (GRCh38, 1-based): chr12:101,661,176, T>C. VCF-style: chr12-101661176-T-C. GRCh37 (hg19) VCF-style: chr12-102054954-T-C.
Other names: c.1871T>C, p.Val624Ala (NM_001254718.3, NM_001254719.3, NM_206820.4 and 1 more transcripts); c.1835T>C, p.Val612Ala (NM_001254720.3); c.1814T>C, p.Val605Ala (NM_001254721.3, NM_001404676.1, NM_001404678.1); c.1793T>C, p.Val598Ala (NM_001254722.3, NM_001404680.1); c.1832T>C, p.Val611Ala (NM_001254723.3); c.1946T>C, p.Val649Ala (NM_001404675.1, NM_206819.4); c.1736T>C, p.Val579Ala (NM_001404677.1, NM_001404679.1, NM_001404681.1); short protein forms V649A, V624A, V598A, V605A, V611A, V612A, V579A.
Identifiers: ClinVar variation 211544 (VCV000211544.36), dbSNP rs200111933, ClinGen allele CA207369.

ClinVar aggregate classification (germline): Conflicting classifications of pathogenicity. Review status: criteria provided, conflicting classifications (1 of 4 stars). 4 submissions from 4 submitters: Uncertain significance (1); Likely benign (3). Last evaluated 2025-07-01.

Conditions:
Inborn genetic diseases. Identifiers: MedGen C0950123, MeSH D030342.

Allele frequency attached by ClinVar (database versions not stated): gnomAD exomes 0.00011 and 0.00019; ExAC 0.00012; gnomAD 0.00015 and 0.00016; ESP Exome Variant Server 0.00023; TOPMed 0.00034.
gnomAD v4.1: 298 of 1,613,518 alleles (0.018%); highest among the groups gnomAD compares: Admixed American, 0.038%; 1 homozygote.

Submissions (4):

CeGaT Center for Human Genetics Tuebingen
Classification: Likely benign. Last evaluated: 2025-07-01. Review status: criteria provided, single submitter. Criteria: CeGaT Center For Human Genetics Tuebingen Variant Classification Criteria Version 2. Collection method: clinical testing. Allele origin: germline. Affected: yes. Observed: 2 variant alleles.
Comment: MYBPC1: BP4

Ambry Genetics
Classification: Uncertain significance for Inborn genetic diseases. Last evaluated: 2022-04-28. Review status: criteria provided, single submitter. Criteria: Ambry Variant Classification Scheme 2023. Collection method: clinical testing. Allele origin: germline.

Labcorp Genetics (formerly Invitae), Labcorp
Classification: Likely benign. Last evaluated: 2019-12-07. Review status: criteria provided, single submitter. Criteria: Invitae Variant Classification Sherloc (09022015). Collection method: clinical testing. Allele origin: germline.

Genetic Services Laboratory, University of Chicago
Classification: Likely benign. Last evaluated: 2015-04-06. Review status: criteria provided, single submitter. Criteria: ACMG Guidelines, 2015. Collection method: clinical testing. Allele origin: germline.